The following is an entry in ClinVar:

NM_001851.6(COL9A1):c.80G>A (p.Arg27His)

Gene: COL9A1 (collagen type IX alpha 1 chain; minus strand). Cytogenetic location: 6q13.
Variant type: single nucleotide variant.
Coding change: c.80G>A on transcript NM_001851.6 (MANE Select); coding-DNA position 80, G replaced by A.
Protein change: p.Arg27His; replaces arginine 27 with histidine.
Molecular consequence: missense variant.
Genome position (GRCh38, 1-based): chr6:70,302,009, C>T on the plus strand (G>A on the coding strand, the complement: COL9A1 is on the minus strand). VCF-style: chr6-70302009-C-T. GRCh37 (hg19) VCF-style: chr6-71011712-C-T.
Other names: c.80G>A, p.Arg27His (NM_001377291.1); short protein forms R27H.
Identifiers: ClinVar variation 935299 (VCV000935299.11), dbSNP rs150026024, ClinGen allele CA3882946.
Genomic context (GRCh38, chr6:70,302,009, plus strand): 5'-ATCATTTCTGGGAATAAGTGATCTTTGAAAGTCTAGAAACTATGGCCCTTACTGGGGCGA[C>T]GCTTGACAGCTGCAGATGCCCAGGGTTCCAGGAAACTGCACACAAAGAAGAAAACTGGAA-3'
Protein context (NP_001842.3, residues 17-37): LEPWASAAVK[Arg27His]RPRFPVNSNS

ClinVar aggregate classification (germline): Conflicting classifications of pathogenicity. Review status: criteria provided, conflicting classifications (1 of 4 stars). 3 submissions from 3 submitters: Uncertain significance (2); Likely benign (1). Last evaluated 2026-01-12.

Conditions:
COL9A1-related disorder. Also called: COL9A1-related condition; COL9A1-related disorders.

Allele frequency attached by ClinVar (database versions not stated): gnomAD exomes 0.00002 and 0.00007; ExAC 0.00013; gnomAD 0.00015 and 0.00016; 1000 Genomes Project 30x 0.00016; ESP Exome Variant Server 0.00046; TOPMed 0.00017; 1000 Genomes Project 0.00020.

Submissions (3):

Labcorp Genetics (formerly Invitae), Labcorp
Classification: Likely benign. Last evaluated: 2026-01-12. Review status: criteria provided, single submitter. Criteria: Invitae Variant Classification Sherloc (09022015). Collection method: clinical testing. Allele origin: germline.

PreventionGenetics, part of Exact Sciences
Classification: Uncertain significance for COL9A1-related condition. Last evaluated: 2025-12-16. Review status: criteria provided, single submitter. Criteria: ACMG Guidelines, 2015. Collection method: clinical testing. Allele origin: germline.
Comment: The COL9A1 c.80G>A variant is predicted to result in the amino acid substitution p.Arg27His. To our knowledge, this variant has not been reported in the literature. This variant is present in 0.041% of alleles in individuals of African descent in gnomAD. At this time, the clinical significance of this variant is uncertain due to the absence of conclusive functional and genetic evidence.

GeneDx
Classification: Uncertain significance. Last evaluated: 2023-01-26. Review status: criteria provided, single submitter. Criteria: GeneDx Variant Classification Process June 2021. Collection method: clinical testing. Allele origin: germline. Affected: yes.
Comment: Has not been previously published as pathogenic or benign to our knowledge; In silico analysis supports that this missense variant does not alter protein structure/function